The following is an entry in ClinVar:

ClinVar aggregate classification (germline): Likely benign (1 of 4 stars; one submission).

Conditions:
PRPF8-related disorder. Also called: PRPF8-related condition.

Submission:

PreventionGenetics, part of Exact Sciences
Classification: Likely benign for PRPF8-related condition. Last evaluated: 2025-10-27. Review status: criteria provided, single submitter. Criteria: ACMG Guidelines, 2015. Collection method: clinical testing. Allele origin: germline.
Comment: This variant is classified as likely benign based on ACMG/AMP sequence variant interpretation guidelines (Richards et al. 2015 PMID: 25741868, with internal and published modifications).

NM_006445.4(PRPF8):c.3447-4G>A

Gene: PRPF8 (pre-mRNA processing factor 8; minus strand). Cytogenetic location: 17p13.3.
Variant type: single nucleotide variant.
Coding change: c.3447-4G>A on transcript NM_006445.4 (MANE Select); 4 bases into the intron before coding-DNA position 3447, G replaced by A.
Molecular consequence: intron variant.
Genome position (GRCh38, 1-based): chr17:1,673,571, C>T on the plus strand (G>A on the coding strand, the complement: PRPF8 is on the minus strand). VCF-style: chr17-1673571-C-T. GRCh37 (hg19) VCF-style: chr17-1576865-C-T.
Identifiers: ClinVar variation 4979203 (VCV004979203.1).